The following is an entry in ClinVar:

ClinVar aggregate classification (germline): Likely benign. Review status: criteria provided, multiple submitters, no conflicts (2 of 4 stars). 2 submissions from 2 submitters: Likely benign (2). Last evaluated 2025-12-15.

Conditions:
Multiple gastrointestinal atresias. Also called: Multiple intestinal atresia; FAMILIAL INTESTINAL POLYATRESIA SYNDROME. Identifiers: Orphanet 2300, MedGen C0220744, MONDO:0009465.

Allele frequency attached by ClinVar (database versions not stated): gnomAD exomes 0.00001 and 0.00002; ExAC 0.00003.
gnomAD v4.1: 15 of 1,614,044 alleles (0.00093%); highest among the groups gnomAD compares: South Asian, 0.0033%; no homozygotes.

Submissions (2):

Labcorp Genetics (formerly Invitae), Labcorp
Classification: Likely benign for Multiple gastrointestinal atresias. Last evaluated: 2025-12-15. Review status: criteria provided, single submitter. Criteria: Invitae Variant Classification Sherloc (09022015). Collection method: clinical testing. Allele origin: germline.

Laboratory for Molecular Medicine, Mass General Brigham Personalized Medicine
Classification: Likely benign. Last evaluated: 2016-03-29. Review status: criteria provided, single submitter. Criteria: LMM Criteria. Collection method: clinical testing. Allele origin: germline.
Comment: Variant identified in a genome or exome case(s) and assessed due to predicted null impact of the variant or pathogenic assertions in the literature or databases. Disclaimer: This variant has not undergone full assessment. The following are preliminary notes: Silent variant.

NM_020458.4(TTC7A):c.1701C>T (p.His567=)

Gene: TTC7A (tetratricopeptide repeat domain 7A; plus strand). Cytogenetic location: 2p21.
Variant type: single nucleotide variant.
Coding change: c.1701C>T on transcript NM_020458.4 (MANE Select); coding-DNA position 1701, C replaced by T.
Protein change: p.His567=; no amino-acid change (histidine 567 retained).
Molecular consequence: synonymous variant.
Genome position (GRCh38, 1-based): chr2:47,029,283, C>T. VCF-style: chr2-47029283-C-T. GRCh37 (hg19) VCF-style: chr2-47256422-C-T.
Other names: c.1701C>T, p.His567= (NM_001288951.2); c.1599C>T, p.His533= (NM_001288953.2); c.639C>T, p.His213= (NM_001288955.2).
Identifiers: ClinVar variation 403575 (VCV000403575.12), dbSNP rs375117959, ClinGen allele CA1647827.
Genomic context (GRCh38, chr2:47,029,283, plus strand): 5'-GATCTCCAGTGCCATGGAGCAGCTGCAGGAGGCCCTGAAGGTACGCAAGGATGATGCCCA[C>T]GCCCTCCACCTGCTGGCACTGCTCTTCTCTGCCCAGAAGCACCACCAGCATGCCCTGGAT-3'
Protein context (NP_065191.2, residues 557-577): EALKVRKDDA[His567=]ALHLLALLFS